The following is an entry in ClinVar:

NM_000540.3(RYR1):c.14970-5C>G

Gene: RYR1 (ryanodine receptor 1; plus strand). Cytogenetic location: 19q13.2.
Variant type: single nucleotide variant.
Coding change: c.14970-5C>G on transcript NM_000540.3 (MANE Select); 5 bases into the intron before coding-DNA position 14970, C replaced by G.
Molecular consequence: intron variant.
Genome position (GRCh38, 1-based): chr19:38,586,520, C>G. VCF-style: chr19-38586520-C-G. GRCh37 (hg19) VCF-style: chr19-39077160-C-G.
Other names: c.14955-5C>G (NM_001042723.2).
Identifiers: ClinVar variation 1347671 (VCV001347671.7), dbSNP rs527738921, ClinGen allele CA061939.

ClinVar aggregate classification (germline): Uncertain significance. Review status: criteria provided, multiple submitters, no conflicts (2 of 4 stars). 2 submissions from 2 submitters: Uncertain significance (2). Last evaluated 2024-12-18.

Conditions:
RYR1-related disorder. Also called: RYR1-related condition; RYR1-related disorders. Identifiers: MedGen CN239331.
Malignant hyperthermia, susceptibility to, 1 (MHS1). Also called: Anesthesia related hyperthermia; Malignant hyperpyrexia; Fulminating hyperpyrexia; Pharmacogenic myopathy; RYR1-Related Malignant Hyperthermia Susceptibility; Malignant hyperthermia suceptibility 1. Identifiers: Orphanet 423, MedGen C2930980, MONDO:0007783, OMIM 145600.

Allele frequency attached by ClinVar (database versions not stated): ExAC 0.00002; gnomAD exomes 0.00002; 1000 Genomes Project 30x 0.00031; 1000 Genomes Project 0.00040; gnomAD 0.00001; TOPMed 0.00001.
gnomAD v4.1: 7 of 1,613,922 alleles (0.00043%); highest among the groups gnomAD compares: East Asian, 0.0045%; no homozygotes.

Submissions (2):

Labcorp Genetics (formerly Invitae), Labcorp
Classification: Uncertain significance for RYR1-related disorder. Last evaluated: 2024-12-18. Review status: criteria provided, single submitter. Criteria: Invitae Variant Classification Sherloc (09022015). Collection method: clinical testing. Allele origin: germline.
Comment: This sequence change falls in intron 104 of the RYR1 gene. It does not directly change the encoded amino acid sequence of the RYR1 protein. This variant is present in population databases (rs527738921, gnomAD 0.01%). This variant has not been reported in the literature in individuals affected with RYR1-related conditions. ClinVar contains an entry for this variant (Variation ID: 1347671). Algorithms developed to predict the effect of sequence changes on RNA splicing suggest that this variant may disrupt the consensus splice site. In summary, the available evidence is currently insufficient to determine the role of this variant in disease. Therefore, it has been classified as a Variant of Uncertain Significance.

All of Us Research Program, National Institutes of Health
Classification: Uncertain significance for Malignant hyperthermia, susceptibility to, 1. Last evaluated: 2023-08-15. Review status: criteria provided, single submitter. Criteria: ACMG Guidelines, 2015. Collection method: clinical testing. Allele origin: germline. Inheritance: Autosomal dominant inheritance. Observed: 1 variant allele, 1 heterozygote.
Comment: This variant causes a C to G nucleotide substitution at the -5 position of intron 104 of the RYR1 gene. To our knowledge, functional studies have not been reported for this variant. This variant has not been reported in individuals affected with RYR1-related disorders in the literature. This variant has been identified in 4/251496 chromosomes in the general population by the Genome Aggregation Database (gnomAD). The available evidence is insufficient to determine the role of this variant in disease conclusively. Therefore, this variant is classified as a Variant of Uncertain Significance.

This study involves interpretation of variants in research participants for the purpose of population health screening. Participant phenotype was not available at the time of variant classification. Additional details can be found in publication PMID: 35346344, PMCID: PMC8962531